The following is an entry in ClinVar:

NM_003640.5(ELP1):c.2894_2901del (p.Ile965fs)

Gene: ELP1 (elongator acetyltransferase complex subunit 1; minus strand). Cytogenetic location: 9q31.3.
Variant type: Deletion.
Coding change: c.2894_2901del on transcript NM_003640.5 (MANE Select); coding-DNA positions 2894 to 2901, 8 bases deleted (TAAAAGAT; older notation c.2894_2901delTAAAAGAT).
Protein change: p.Ile965fs; shifts the reading frame from isoleucine 965.
Molecular consequence: frameshift variant.
Genome position (GRCh38, 1-based): chr9:108,893,043-108,893,050, ATCTTTTA deleted on the plus strand (TAAAAGAT on the coding strand, the reverse complement: ELP1 is on the minus strand). VCF-style (leftmost placement, unchanged base first): chr9-108893042-TATCTTTTA-T. GRCh37 (hg19) VCF-style: chr9-111655322-TATCTTTTA-T.
Other names: c.2552_2559del, p.Ile851fs (NM_001318360.2); c.1847_1854del, p.Ile616fs (NM_001330749.2); short protein forms I616fs, I851fs, I965fs.
Identifiers: ClinVar variation 1724327 (VCV001724327.2), dbSNP rs2537882438, ClinGen allele CA2580079366.
Genomic context (GRCh38, chr9:108,893,042, plus strand): 5'-ATACCTGGTACTGTTGTGAGCTTGGTGAATATAACTTCAGAGCTTCGTTATACAAGTTTT[TATCTTTTA>T]TCAAGTTTAAGCATTCTGGGAAGTACTCAGGTCCTGCAGGAAAAAGATTCACACAAAGAC-3'

ClinVar aggregate classification (germline): Likely pathogenic (1 of 4 stars; one submission).

Conditions:
Familial dysautonomia. Also called: HSAN III; FD. Identifiers: Orphanet 1764, MedGen C0013364, MONDO:0009131, OMIM 223900. Disease mechanism: loss of function.

Submission:

Myriad Genetics, Inc.
Classification: Likely pathogenic for Familial dysautonomia. Last evaluated: 2022-02-05. Review status: criteria provided, single submitter. Criteria: Myriad Women's Health Autosomal Recessive and X-Linked Classification Criteria (2021). Collection method: clinical testing. Allele origin: unknown.
Comment: NM_003640.3(ELP1):c.2894_2901del8(I965Kfs*5) is expected to be pathogenic in the context of familial dysautonomia. This variant is predicted to lead to an abnormal or absent protein product due to the creation of a premature termination codon in ELP1, a gene where loss-of-function variants are known to be pathogenic. Please note: this variant was assessed in the context of healthy population screening.